The following is an entry in ClinVar:

NM_032043.3(BRIP1):c.443del (p.Arg148fs)

Gene: BRIP1 (BRCA1 interacting DNA helicase 1; minus strand). Cytogenetic location: 17q23.2.
Variant type: Deletion.
Coding change: c.443del on transcript NM_032043.3 (MANE Select); coding-DNA position 443, one base deleted (G; older notation c.443delG).
Protein change: p.Arg148fs; shifts the reading frame from arginine 148.
Molecular consequence: frameshift variant.
Genome position (GRCh38, 1-based): chr17:61,849,193, C deleted on the plus strand (G on the coding strand, the reverse complement: BRIP1 is on the minus strand). VCF-style (leftmost placement, unchanged base first): chr17-61849192-TC-T. GRCh37 (hg19) VCF-style: chr17-59926553-TC-T.
Other names: short protein forms R148fs.
Identifiers: ClinVar variation 3755614 (VCV003755614.3).

ClinVar aggregate classification (germline): Pathogenic. Review status: criteria provided, multiple submitters, no conflicts (2 of 4 stars). 2 submissions from 2 submitters: Pathogenic (2). Last evaluated 2025-07-07.

Conditions:
Fanconi anemia complementation group J. Also called: BRIP1-Related Fanconi Anemia. Identifiers: Orphanet 84, MedGen C1836860, MONDO:0012187, OMIM 609054.
Familial cancer of breast. Also called: BREAST CANCER, FAMILIAL; Hereditary breast cancer; hereditary breast carcinoma. Identifiers: Orphanet 227535, MedGen C0346153, MONDO:0016419, OMIM 114480. Disease mechanism: loss of function.
Hereditary cancer-predisposing syndrome. Also called: Neoplastic Syndromes, Hereditary; Tumor predisposition; Hereditary Cancer Syndrome; Hereditary neoplastic syndrome. Identifiers: Orphanet 140162, MedGen C0027672, MeSH D009386, MONDO:0015356.

Submissions (2):

Ambry Genetics
Classification: Pathogenic for Hereditary cancer-predisposing syndrome. Last evaluated: 2025-07-07. Review status: criteria provided, single submitter. Criteria: Ambry Variant Classification Scheme 2023. Collection method: clinical testing. Allele origin: germline.
Comment: The c.443delG pathogenic mutation, located in coding exon 4 of the BRIP1 gene, results from a deletion of one nucleotide at nucleotide position 443, causing a translational frameshift with a predicted alternate stop codon (p.R148Kfs*9). This variant is considered to be rare based on population cohorts in the Genome Aggregation Database (gnomAD). This alteration is expected to result in loss of function by premature protein truncation or nonsense-mediated mRNA decay. As such, this alteration is interpreted as a disease-causing mutation.

Labcorp Genetics (formerly Invitae), Labcorp
Classification: Pathogenic for Familial cancer of breast; Fanconi anemia complementation group J. Last evaluated: 2024-04-01. Review status: criteria provided, single submitter. Criteria: Invitae Variant Classification Sherloc (09022015). Collection method: clinical testing. Allele origin: germline.
Comment: This sequence change creates a premature translational stop signal (p.Arg148Lysfs*9) in the BRIP1 gene. It is expected to result in an absent or disrupted protein product. Loss-of-function variants in BRIP1 are known to be pathogenic (PMID: 16116423, 17033622, 21964575). This variant is not present in population databases (gnomAD no frequency). This variant has not been reported in the literature in individuals affected with BRIP1-related conditions. Algorithms developed to predict the effect of sequence changes on RNA splicing suggest that this variant may disrupt the consensus splice site. For these reasons, this variant has been classified as Pathogenic.

Literature cited by the submitters: PubMed 16116423 (cited by Labcorp Genetics (formerly Invitae), Labcorp); PubMed 17033622 (cited by Labcorp Genetics (formerly Invitae), Labcorp); PubMed 21964575 (cited by Labcorp Genetics (formerly Invitae), Labcorp).